The following is an entry in ClinVar:

NM_001367624.2(ZNF469):c.3300G>C (p.Glu1100Asp)

Gene: ZNF469 (zinc finger protein 469; plus strand). Cytogenetic location: 16q24.2.
Variant type: single nucleotide variant.
Coding change: c.3300G>C on transcript NM_001367624.2 (MANE Select); coding-DNA position 3300, G replaced by C.
Protein change: p.Glu1100Asp; replaces glutamic acid 1100 with aspartic acid.
Molecular consequence: missense variant.
Genome position (GRCh38, 1-based): chr16:88,430,770, G>C. VCF-style: chr16-88430770-G-C. GRCh37 (hg19) VCF-style: chr16-88497178-G-C.
Other names: NM_001127464.1:c.3216G>C; short protein forms E1100D.
Identifiers: ClinVar variation 1728992 (VCV001728992.2), dbSNP rs760454346, ClinGen allele CA397079764.

ClinVar aggregate classification (germline): Uncertain significance (1 of 4 stars; one submission).

Conditions:
Cardiovascular phenotype. Identifiers: MedGen CN230736.

gnomAD v4.1: 5 of 1,522,964 alleles (0.00033%); highest among the groups gnomAD compares: African/African-American, 0.0028%; no homozygotes.

Submission:

Ambry Genetics
Classification: Uncertain significance for Cardiovascular phenotype. Last evaluated: 2022-08-03. Review status: criteria provided, single submitter. Criteria: Ambry Variant Classification Scheme 2023. Collection method: clinical testing. Allele origin: germline.
Comment: The p.E1072D variant (also known as c.3216G>C), located in coding exon 2 of the ZNF469 gene, results from a G to C substitution at nucleotide position 3216. The glutamic acid at codon 1072 is replaced by aspartic acid, an amino acid with highly similar properties. This amino acid position is conserved. In addition, this alteration is predicted to be tolerated by in silico analysis. Since supporting evidence is limited at this time, the clinical significance of this alteration remains unclear.